The following is an entry in ClinVar:

ClinVar aggregate classification (germline): Uncertain significance. Review status: criteria provided, multiple submitters, no conflicts (2 of 4 stars). 3 submissions from 3 submitters: Uncertain significance (3). Last evaluated 2024-03-15.

Conditions:
Inborn genetic diseases. Identifiers: MedGen C0950123, MeSH D030342.
Hyperekplexia 2 (HKPX2). Identifiers: Orphanet 3197, MedGen C3553291, MONDO:0013828, OMIM 614619.
GLRB-related disorder. Also called: GLRB-related condition.

Allele frequency attached by ClinVar (database versions not stated): gnomAD exomes below 0.00001 and 0.00001; gnomAD 0.00001; TOPMed 0.00001.
gnomAD v4.1: 15 of 1,591,522 alleles (0.00094%); highest among the groups gnomAD compares: Non-Finnish European, 0.0013%; no homozygotes.

Submissions (3):

Ambry Genetics
Classification: Uncertain significance for Inborn genetic diseases. Last evaluated: 2024-03-15. Review status: criteria provided, single submitter. Criteria: Ambry Variant Classification Scheme 2023. Collection method: clinical testing. Allele origin: germline.

PreventionGenetics, part of Exact Sciences
Classification: Uncertain significance for GLRB-related condition. Last evaluated: 2023-09-14. Review status: criteria provided, single submitter. Criteria: ACMG Guidelines, 2015. Collection method: clinical testing. Allele origin: germline.
Comment: The GLRB c.307G>A variant is predicted to result in the amino acid substitution p.Val103Ile. To our knowledge, this variant has not been reported in the literature. This variant is reported in 0.00078% of alleles in individuals of European (Non-Finnish) descent in gnomAD. At this time, the clinical significance of this variant is uncertain due to the absence of conclusive functional and genetic evidence.

Labcorp Genetics (formerly Invitae), Labcorp
Classification: Uncertain significance for Hyperekplexia 2. Last evaluated: 2022-07-19. Review status: criteria provided, single submitter. Criteria: Invitae Variant Classification Sherloc (09022015). Collection method: clinical testing. Allele origin: germline.
Comment: This sequence change replaces valine, which is neutral and non-polar, with isoleucine, which is neutral and non-polar, at codon 103 of the GLRB protein (p.Val103Ile). This variant is present in population databases (no rsID available, gnomAD 0.002%). This variant has not been reported in the literature in individuals affected with GLRB-related conditions. ClinVar contains an entry for this variant (Variation ID: 860241). Advanced modeling of protein sequence and biophysical properties (such as structural, functional, and spatial information, amino acid conservation, physicochemical variation, residue mobility, and thermodynamic stability) performed at Invitae indicates that this missense variant is not expected to disrupt GLRB protein function. In summary, the available evidence is currently insufficient to determine the role of this variant in disease. Therefore, it has been classified as a Variant of Uncertain Significance.

NM_000824.5(GLRB):c.307G>A (p.Val103Ile)

Gene: GLRB (glycine receptor beta; plus strand). Cytogenetic location: 4q32.1.
Variant type: single nucleotide variant.
Coding change: c.307G>A on transcript NM_000824.5 (MANE Select); coding-DNA position 307, G replaced by A.
Protein change: p.Val103Ile; replaces valine 103 with isoleucine.
Molecular consequence: missense variant.
Genome position (GRCh38, 1-based): chr4:157,136,478, G>A. VCF-style: chr4-157136478-G-A. GRCh37 (hg19) VCF-style: chr4-158057630-G-A.
Other names: c.307G>A, p.Val103Ile (NM_001166060.2, NM_001166061.2); short protein forms V103I.
Identifiers: ClinVar variation 860241 (VCV000860241.6), dbSNP rs1303450282, ClinGen allele CA358642292.